The following is an entry in ClinVar:

NM_000152.5(GAA):c.2189+1208A>G

Gene: GAA (alpha glucosidase; plus strand). Cytogenetic location: 17q25.3.
Variant type: single nucleotide variant.
Coding change: c.2189+1208A>G on transcript NM_000152.5 (MANE Select); 1208 bases into the intron after coding-DNA position 2189, A replaced by G.
Molecular consequence: intron variant.
Genome position (GRCh38, 1-based): chr17:80,114,574, A>G. VCF-style: chr17-80114574-A-G. GRCh37 (hg19) VCF-style: chr17-78088373-A-G.
Other names: c.2189+1208A>G (NM_001406741.1, NM_001406742.1, NM_001079803.3 and 1 more transcripts).
Identifiers: ClinVar variation 4876358 (VCV004876358.1).

ClinVar aggregate classification (germline): Likely benign (1 of 4 stars; one submission).

Conditions:
Glycogen storage disease, type II (IOPD). Also called: Pompe Disease; CARDIOMEGALIA GLYCOGENICA DIFFUSA; GLYCOGENOSIS, GENERALIZED, CARDIAC FORM; GSD II; POMPE DISEASE, INFANTILE-ONSET; GLYCOGEN STORAGE DISEASE II, INFANTILE-ONSET. Identifiers: Orphanet 365, MedGen C0017921, MONDO:0009290, OMIM 232300.

gnomAD v4.1: 1 of 152,166 alleles (0.00066%); highest among the groups gnomAD compares: Non-Finnish European, 0.0015%; no homozygotes.

Submission:

Genomenon, Inc
Classification: Likely benign for Glycogen storage disease, type II. Last evaluated: 2026-07-01. Review status: criteria provided, single submitter. Criteria: Genomenon Sequence Variant Interpretation Standards - Updated. Collection method: curation. Allele origin: germline. Affected: no.
Comment: GAA c.2189+1208A>G is an intronic variant located in intron 15. This variant has been reported in the published literature (PMID:33560568). It is absent or not present at a significant frequency in gnomAD. This variant is not predicted to impact splicing. In conclusion, we classify GAA c.2189+1208A>G as a likely benign variant.

Literature cited by the submitters: PubMed 33560568.